The following is an entry in ClinVar:

NM_014727.3(KMT2B):c.6518G>A (p.Arg2173Gln)

Gene: KMT2B (lysine methyltransferase 2B; plus strand). Cytogenetic location: 19q13.12.
Variant type: single nucleotide variant.
Coding change: c.6518G>A on transcript NM_014727.3 (MANE Select); coding-DNA position 6518, G replaced by A.
Protein change: p.Arg2173Gln; replaces arginine 2173 with glutamine.
Molecular consequence: missense variant.
Genome position (GRCh38, 1-based): chr19:35,733,067, G>A. VCF-style: chr19-35733067-G-A. GRCh37 (hg19) VCF-style: chr19-36223968-G-A.
Other names: c.6518G>A (NM_014727.1, NM_014727.2); short protein forms R2173Q.
Identifiers: ClinVar variation 2139088 (VCV002139088.6), dbSNP rs775118818, ClinGen allele CA307796896.

ClinVar aggregate classification (germline): Conflicting classifications of pathogenicity. Review status: criteria provided, conflicting classifications (1 of 4 stars). 3 submissions from 3 submitters: Uncertain significance (2); Likely benign (1). Last evaluated 2025-10-17.

Conditions:
Inborn genetic diseases. Identifiers: MedGen C0950123, MeSH D030342.
KMT2B-related disorder. Also called: KMT2B-related disorders; KMT2B-related condition. Identifiers: MedGen CN381338.

Allele frequency attached by ClinVar (database versions not stated): gnomAD 0.00005; TOPMed 0.00012.
gnomAD v4.1: 21 of 1,576,180 alleles (0.0013%); highest among the groups gnomAD compares: Admixed American, 0.015%; no homozygotes.

Submissions (3):

Labcorp Genetics (formerly Invitae), Labcorp
Classification: Likely benign. Last evaluated: 2025-10-17. Review status: criteria provided, single submitter. Criteria: Invitae Variant Classification Sherloc (09022015). Collection method: clinical testing. Allele origin: germline.

Ambry Genetics
Classification: Uncertain significance for Inborn genetic diseases. Last evaluated: 2023-12-09. Review status: criteria provided, single submitter. Criteria: Ambry Variant Classification Scheme 2023. Collection method: clinical testing. Allele origin: germline.

PreventionGenetics, part of Exact Sciences
Classification: Uncertain significance for KMT2B-related condition. Last evaluated: 2023-08-18. Review status: criteria provided, single submitter. Criteria: ACMG Guidelines, 2015. Collection method: clinical testing. Allele origin: germline.
Comment: The KMT2B c.6518G>A variant is predicted to result in the amino acid substitution p.Arg2173Gln. To our knowledge, this variant has not been reported in the literature. This variant is reported in 0.0041% of alleles in individuals of South Asian descent in gnomAD. At this time, the clinical significance of this variant is uncertain due to the absence of conclusive functional and genetic evidence.